The following is an entry in ClinVar:

NM_003839.4(TNFRSF11A):c.1340C>G (p.Thr447Arg)

Gene: TNFRSF11A (TNF receptor superfamily member 11a; plus strand). Cytogenetic location: 18q21.33.
Variant type: single nucleotide variant.
Coding change: c.1340C>G on transcript NM_003839.4 (MANE Select); coding-DNA position 1340, C replaced by G.
Protein change: p.Thr447Arg; replaces threonine 447 with arginine.
Molecular consequence: missense variant. On other transcripts: intron variant (3).
Genome position (GRCh38, 1-based): chr18:62,369,257, C>G. VCF-style: chr18-62369257-C-G. GRCh37 (hg19) VCF-style: chr18-60036490-C-G.
Other names: c.1298C>G, p.Thr433Arg (NM_001278268.2); c.783+2497C>G (NM_001270949.2); c.730+7464C>G (NM_001270950.2); c.616+9208C>G (NM_001270951.2); short protein forms T433R, T447R.
Identifiers: ClinVar variation 2629426 (VCV002629426.1), dbSNP rs776173779, ClinGen allele CA402617778.

ClinVar aggregate classification (germline): Uncertain significance (1 of 4 stars; one submission).

Conditions:
TNFRSF11A-related disorder. Also called: TNFRSF11A-related condition.

gnomAD v4.1: 3 of 1,613,554 alleles (0.00019%); highest among the groups gnomAD compares: Middle Eastern, 0.016%; no homozygotes.

Submission:

PreventionGenetics, part of Exact Sciences
Classification: Uncertain significance for TNFRSF11A-related condition. Last evaluated: 2022-11-11. Review status: criteria provided, single submitter. Criteria: ACMG Guidelines, 2015. Collection method: clinical testing. Allele origin: germline.
Comment: The TNFRSF11A c.1340C>G variant is predicted to result in the amino acid substitution p.Thr447Arg. To our knowledge, this variant has not been reported in the literature or in a large population database, indicating this variant is rare. At this time, the clinical significance of this variant is uncertain due to the absence of conclusive functional and genetic evidence.